The following is an entry in ClinVar:

ClinVar aggregate classification (germline): Likely benign. Review status: criteria provided, multiple submitters, no conflicts (2 of 4 stars). 3 submissions from 3 submitters: Likely benign (2). 1 of the submissions does not count toward it. Last evaluated 2026-01-21.

Conditions:
Familial dysautonomia. Also called: FD; HSAN III. Identifiers: Orphanet 1764, MedGen C0013364, MONDO:0009131, OMIM 223900. Disease mechanism: loss of function.

Allele frequency attached by ClinVar (database versions not stated): TOPMed 0.00013; gnomAD 0.00015 and 0.00018; ESP Exome Variant Server 0.00023; 1000 Genomes Project 0.00040; 1000 Genomes Project 30x 0.00047.
gnomAD v4.1: 51 of 1,614,130 alleles (0.0032%); highest among the groups gnomAD compares: African/African-American, 0.06%; no homozygotes.

Submissions (3):

Labcorp Genetics (formerly Invitae), Labcorp
Classification: Likely benign. Last evaluated: 2026-01-21. Review status: criteria provided, single submitter. Criteria: Invitae Variant Classification Sherloc (09022015). Collection method: clinical testing. Allele origin: germline.

GeneDx
Classification: Likely benign. Last evaluated: 2018-03-08. Review status: criteria provided, single submitter. Criteria: GeneDx Variant Classification (06012015). Collection method: clinical testing. Allele origin: germline. Affected: yes.
Comment: This variant is considered likely benign or benign based on one or more of the following criteria: it is a conservative change, it occurs at a poorly conserved position in the protein, it is predicted to be benign by multiple in silico algorithms, and/or has population frequency not consistent with disease.

Natera, Inc.
Classification: Likely benign for Familial dysautonomia. Last evaluated: 2020-09-16. Review status: no assertion criteria provided. Collection method: clinical testing. Allele origin: germline. Not counted in ClinVar's aggregate classification.

NM_003640.5(ELP1):c.1075C>T (p.Leu359=)

Gene: ELP1 (elongator acetyltransferase complex subunit 1; minus strand). Cytogenetic location: 9q31.3.
Variant type: single nucleotide variant.
Coding change: c.1075C>T on transcript NM_003640.5 (MANE Select); coding-DNA position 1075, C replaced by T.
Protein change: p.Leu359=; no amino-acid change (leucine 359 retained).
Molecular consequence: synonymous variant.
Genome position (GRCh38, 1-based): chr9:108,912,378, G>A on the plus strand (C>T on the coding strand, the complement: ELP1 is on the minus strand). VCF-style: chr9-108912378-G-A. GRCh37 (hg19) VCF-style: chr9-111674658-G-A.
Other names: c.1075C>T (LRG_251t1); c.733C>T, p.Leu245= (NM_001318360.2); c.28C>T, p.Leu10= (NM_001330749.2).
Identifiers: ClinVar variation 515958 (VCV000515958.13), dbSNP rs2230789, ClinGen allele CA5175133.